The following is an entry in ClinVar:

NM_004168.4(SDHA):c.1243A>G (p.Thr415Ala)

Gene: SDHA (succinate dehydrogenase complex flavoprotein subunit A; plus strand). Cytogenetic location: 5p15.33.
Variant type: single nucleotide variant.
Coding change: c.1243A>G on transcript NM_004168.4 (MANE Select); coding-DNA position 1243, A replaced by G.
Protein change: p.Thr415Ala; replaces threonine 415 with alanine.
Molecular consequence: missense variant.
Genome position (GRCh38, 1-based): chr5:235,322, A>G. VCF-style: chr5-235322-A-G. GRCh37 (hg19) VCF-style: chr5-235437-A-G.
Other names: c.1243A>G (NM_004168.2); c.1099A>G, p.Thr367Ala (NM_001294332.2); c.1243A>G, p.Thr415Ala (NM_001330758.2); short protein forms T367A, T415A.
Identifiers: ClinVar variation 1421695 (VCV001421695.9), dbSNP rs2126585699, ClinGen allele CA359013743.

ClinVar aggregate classification (germline): Uncertain significance. Review status: criteria provided, multiple submitters, no conflicts (2 of 4 stars). 2 submissions from 2 submitters: Uncertain significance (2). Last evaluated 2026-07-07.

Conditions:
Hereditary cancer-predisposing syndrome. Also called: Hereditary Cancer Syndrome; Neoplastic Syndromes, Hereditary; Hereditary neoplastic syndrome; Tumor predisposition. Identifiers: Orphanet 140162, MedGen C0027672, MeSH D009386, MONDO:0015356.
Mitochondrial complex II deficiency, nuclear type 1. Also called: SUCCINATE CoQ REDUCTASE DEFICIENCY. Identifiers: Orphanet 3208, MedGen C5700310, MONDO:0100294, OMIM 252011.
Pheochromocytoma/paraganglioma syndrome 5. Also called: Paragangliomas 5; SDHA-Related Hereditary Paraganglioma-Pheochromocytoma Syndrome. Identifiers: Orphanet 29072, MedGen C3279992, MONDO:0013602, OMIM 614165.

Allele frequency attached by ClinVar (database versions not stated): gnomAD exomes below 0.00001.

Submissions (2):

Ambry Genetics
Classification: Uncertain significance for Hereditary cancer-predisposing syndrome. Last evaluated: 2026-07-07. Review status: criteria provided, single submitter. Criteria: Ambry Variant Classification Scheme 2023. Collection method: clinical testing. Allele origin: germline.
Comment: The p.T415A variant (also known as c.1243A>G), located in coding exon 9 of the SDHA gene, results from an A to G substitution at nucleotide position 1243. The threonine at codon 415 is replaced by alanine, an amino acid with similar properties. This amino acid position is conserved. In addition, this alteration is predicted to be deleterious by in silico analysis. Based on the available evidence, the clinical significance of this variant remains unclear.

Labcorp Genetics (formerly Invitae), Labcorp
Classification: Uncertain significance for Pheochromocytoma/paraganglioma syndrome 5; Mitochondrial complex II deficiency, nuclear type 1. Last evaluated: 2024-06-19. Review status: criteria provided, single submitter. Criteria: Invitae Variant Classification Sherloc (09022015). Collection method: clinical testing. Allele origin: germline.
Comment: This sequence change replaces threonine, which is neutral and polar, with alanine, which is neutral and non-polar, at codon 415 of the SDHA protein (p.Thr415Ala). This variant is not present in population databases (gnomAD no frequency). This variant has not been reported in the literature in individuals affected with SDHA-related conditions. ClinVar contains an entry for this variant (Variation ID: 1421695). Advanced modeling of protein sequence and biophysical properties (such as structural, functional, and spatial information, amino acid conservation, physicochemical variation, residue mobility, and thermodynamic stability) has been performed at Invitae for this missense variant, however the output from this modeling did not meet the statistical confidence thresholds required to predict the impact of this variant on SDHA protein function. In summary, the available evidence is currently insufficient to determine the role of this variant in disease. Therefore, it has been classified as a Variant of Uncertain Significance.